The following is an entry in ClinVar:

ClinVar aggregate classification (germline): Pathogenic (1 of 4 stars; one submission).

gnomAD v4.1: 46 of 1,614,174 alleles (0.0028%); highest among the groups gnomAD compares: Non-Finnish European, 0.0038%; no homozygotes.

Submission:

Labcorp Genetics (formerly Invitae), Labcorp
Classification: Pathogenic. Last evaluated: 2024-07-29. Review status: criteria provided, single submitter. Criteria: Invitae Variant Classification Sherloc (09022015). Collection method: clinical testing. Allele origin: germline.
Comment: This sequence change creates a premature translational stop signal (p.Tyr347*) in the SLC45A2 gene. It is expected to result in an absent or disrupted protein product. Loss-of-function variants in SLC45A2 are known to be pathogenic (PMID: 21458243, 26573111). This variant is not present in population databases (gnomAD no frequency). This variant has not been reported in the literature in individuals affected with SLC45A2-related conditions. For these reasons, this variant has been classified as Pathogenic.

Literature cited by the submitters: PubMed 21458243; PubMed 26573111.

NM_016180.5(SLC45A2):c.1041C>G (p.Tyr347Ter)

Gene: SLC45A2 (solute carrier family 45 member 2; minus strand). Cytogenetic location: 5p13.2.
Variant type: single nucleotide variant.
Coding change: c.1041C>G on transcript NM_016180.5 (MANE Select); coding-DNA position 1041, C replaced by G.
Protein change: p.Tyr347Ter; replaces tyrosine 347 with a stop codon.
Molecular consequence: nonsense. On other transcripts: missense variant (1).
Genome position (GRCh38, 1-based): chr5:33,951,669, G>C on the plus strand (C>G on the coding strand, the complement: SLC45A2 is on the minus strand). VCF-style: chr5-33951669-G-C. GRCh37 (hg19) VCF-style: chr5-33951774-G-C.
Other names: c.1041C>G, p.Tyr347Ter (NM_001012509.4); c.715C>G, p.Pro239Ala (NM_001297417.4); short protein forms Y347*, P239A.
Identifiers: ClinVar variation 3691987 (VCV003691987.2).
Genomic context (GRCh38, chr5:33,951,669, plus strand): 5'-GACTCCTCTTTCGTAGATGAGAAACTCTGTGGAGTTGTGTGCACTATAGGGATCCCCGCG[G>C]TACACAATCTGAAAGAGAGATTGGAGGCTGTTGAGGTACAAATGCAATGTAGTAAGAACC-3'